The following is an entry in ClinVar:

ClinVar aggregate classification (germline): Benign (1 of 4 stars; one submission).

Submission:

ISCA site 4
Classification: Benign. Last evaluated: 2011-08-12. Review status: criteria provided, single submitter. Criteria: Kaminsky et al. (Genet Med. 2011). Collection method: clinical testing. Allele origin: unknown. Affected: yes. Observed: 1 variant allele.
Comment: Copy number variation identified through the course of routine clinical cytogenomic testing in postnatal populations. Clinical assertions have been curated as described in Kaminsky et al. 2011.

GRCh38/hg38 8q11.1(chr8:46031334-46662449)x1

Variant type: copy number loss.
Change: copy number 1 (one copy instead of two) of chr8:46,031,334-46,662,449 (631.1 kb, GRCh38 coordinates, 1-based), cytogenetic band 8q11.1.
Identifiers: ClinVar variation 161000 (VCV000161000.1).